The following is an entry in ClinVar:

NM_021814.5(ELOVL5):c.637A>G (p.Thr213Ala)

Gene: ELOVL5 (ELOVL fatty acid elongase 5; minus strand). Cytogenetic location: 6p12.1.
Variant type: single nucleotide variant.
Coding change: c.637A>G on transcript NM_021814.5 (MANE Select); coding-DNA position 637, A replaced by G.
Protein change: p.Thr213Ala; replaces threonine 213 with alanine.
Molecular consequence: missense variant.
Genome position (GRCh38, 1-based): chr6:53,270,712, T>C on the plus strand (A>G on the coding strand, the complement: ELOVL5 is on the minus strand). VCF-style: chr6-53270712-T-C. GRCh37 (hg19) VCF-style: chr6-53135510-T-C.
Other names: c.718A>G, p.Thr240Ala (NM_001242828.2); c.512A>G, p.Asp171Gly (NM_001242830.2); c.637A>G, p.Thr213Ala (NM_001301856.2); short protein forms D171G, T213A, T240A.
Identifiers: ClinVar variation 4085190 (VCV004085190.8).

ClinVar aggregate classification (germline): Uncertain significance (1 of 4 stars; one submission).

gnomAD v4.1: 1 of 1,614,160 alleles (0.000062%); highest among the groups gnomAD compares: Non-Finnish European, 0.000085%; no homozygotes.

Submission:

CeGaT Center for Human Genetics Tuebingen
Classification: Uncertain significance. Last evaluated: 2025-06-01. Review status: criteria provided, single submitter. Criteria: CeGaT Center For Human Genetics Tuebingen Variant Classification Criteria Version 2. Collection method: clinical testing. Allele origin: germline. Affected: yes. Observed: 1 variant allele.
Comment: ELOVL5: PM2